The following is an entry in ClinVar:

ClinVar aggregate classification (germline): Uncertain significance. Review status: criteria provided, multiple submitters, no conflicts (2 of 4 stars). 3 submissions from 3 submitters: Uncertain significance (3). Last evaluated 2025-12-15.

Conditions:
Familial cancer of breast. Also called: Hereditary breast cancer; BREAST CANCER, FAMILIAL; hereditary breast carcinoma. Identifiers: Orphanet 227535, MedGen C0346153, MONDO:0016419, OMIM 114480. Disease mechanism: loss of function.
Hereditary cancer-predisposing syndrome. Also called: Neoplastic Syndromes, Hereditary; Hereditary neoplastic syndrome; Tumor predisposition; Hereditary Cancer Syndrome. Identifiers: Orphanet 140162, MedGen C0027672, MeSH D009386, MONDO:0015356.

Submissions (3):

Ambry Genetics
Classification: Uncertain significance for Hereditary cancer-predisposing syndrome. Last evaluated: 2025-12-15. Review status: criteria provided, single submitter. Criteria: Ambry Variant Classification Scheme 2023. Collection method: clinical testing. Allele origin: germline.
Comment: The p.V805D variant (also known as c.2414T>A), located in coding exon 5 of the PALB2 gene, results from a T to A substitution at nucleotide position 2414. The valine at codon 805 is replaced by aspartic acid, an amino acid with highly dissimilar properties. This amino acid position is conserved. In addition, this alteration is predicted to be tolerated by in silico analysis. Based on the available evidence, the clinical significance of this variant remains unclear.

Color Diagnostics, LLC DBA Color Health
Classification: Uncertain significance for Hereditary cancer-predisposing syndrome. Last evaluated: 2025-12-15. Review status: criteria provided, single submitter. Criteria: ACMG Guidelines, 2015. Collection method: clinical testing. Allele origin: germline.
Comment: This missense variant replaces valine with aspartic acid at codon 805 of the PALB2 protein. Computational prediction suggests that this variant may not impact protein structure and function. To our knowledge, functional studies have not been reported for this variant. This variant has not been reported in individuals affected with PALB2-related disorders in the literature. This variant has not been identified in the general population by the Genome Aggregation Database (gnomAD). The available evidence is insufficient to determine the role of this variant in disease conclusively. Therefore, this variant is classified as a Variant of Uncertain Significance.

Labcorp Genetics (formerly Invitae), Labcorp
Classification: Uncertain significance for Familial cancer of breast. Last evaluated: 2023-05-21. Review status: criteria provided, single submitter. Criteria: Invitae Variant Classification Sherloc (09022015). Collection method: clinical testing. Allele origin: germline.
Comment: Advanced modeling of protein sequence and biophysical properties (such as structural, functional, and spatial information, amino acid conservation, physicochemical variation, residue mobility, and thermodynamic stability) performed at Invitae indicates that this missense variant is not expected to disrupt PALB2 protein function. In summary, the available evidence is currently insufficient to determine the role of this variant in disease. Therefore, it has been classified as a Variant of Uncertain Significance. ClinVar contains an entry for this variant (Variation ID: 628338). This variant has not been reported in the literature in individuals affected with PALB2-related conditions. This variant is not present in population databases (gnomAD no frequency). This sequence change replaces valine, which is neutral and non-polar, with aspartic acid, which is acidic and polar, at codon 805 of the PALB2 protein (p.Val805Asp).

NM_024675.4(PALB2):c.2414T>A (p.Val805Asp)

Gene: PALB2 (partner and localizer of BRCA2; minus strand). Cytogenetic location: 16p12.2.
Variant type: single nucleotide variant.
Coding change: c.2414T>A on transcript NM_024675.4 (MANE Select); coding-DNA position 2414, T replaced by A.
Protein change: p.Val805Asp; replaces valine 805 with aspartic acid.
Molecular consequence: missense variant.
Genome position (GRCh38, 1-based): chr16:23,629,740, A>T on the plus strand (T>A on the coding strand, the complement: PALB2 is on the minus strand). VCF-style: chr16-23629740-A-T. GRCh37 (hg19) VCF-style: chr16-23641061-A-T.
Other names: short protein forms V805D.
Identifiers: ClinVar variation 628338 (VCV000628338.10), dbSNP rs1567217364, ClinGen allele CA395124356.